The following is an entry in ClinVar:

ClinVar aggregate classification (germline): Uncertain significance. Review status: criteria provided, multiple submitters, no conflicts (2 of 4 stars). 2 submissions from 2 submitters: Uncertain significance (2). Last evaluated 2021-08-16.

Conditions:
Inborn genetic diseases. Identifiers: MedGen C0950123, MeSH D030342.
Iodotyrosyl coupling defect (TDH3). Also called: THYROID HORMONOGENESIS, GENETIC DEFECT IN, 3; HYPOTHYROIDISM, CONGENITAL, DUE TO DYSHORMONOGENESIS, 3. Identifiers: Orphanet 95716, MedGen C0342194, MONDO:0010135, OMIM 274700.

Allele frequency attached by ClinVar (database versions not stated): TOPMed 0.00003.
gnomAD v4.1: 25 of 1,612,116 alleles (0.0016%); highest among the groups gnomAD compares: African/African-American, 0.0067%; no homozygotes.

Submissions (2):

Ambry Genetics
Classification: Uncertain significance for Inborn genetic diseases. Last evaluated: 2021-08-16. Review status: criteria provided, single submitter. Criteria: Ambry Variant Classification Scheme 2023. Collection method: clinical testing. Allele origin: germline.

Baylor Genetics
Classification: Uncertain significance for Iodotyrosyl coupling defect. Last evaluated: 2018-06-28. Review status: criteria provided, single submitter. Criteria: ACMG Guidelines, 2015. Collection method: clinical testing. Allele origin: unknown. Affected: yes.
Comment: This variant was determined to be of uncertain significance according to ACMG Guidelines, 2015 [PMID:25741868].

NM_003235.5(TG):c.2639C>T (p.Pro880Leu)

Gene: TG (thyroglobulin; plus strand). Cytogenetic location: 8q24.22.
Variant type: single nucleotide variant.
Coding change: c.2639C>T on transcript NM_003235.5 (MANE Select); coding-DNA position 2639, C replaced by T.
Protein change: p.Pro880Leu; replaces proline 880 with leucine.
Molecular consequence: missense variant.
Genome position (GRCh38, 1-based): chr8:132,888,446, C>T. VCF-style: chr8-132888446-C-T. GRCh37 (hg19) VCF-style: chr8-133900691-C-T.
Other names: short protein forms P880L.
Identifiers: ClinVar variation 1031315 (VCV001031315.3), dbSNP rs201893722, ClinGen allele CA372237027.